The following is an entry in ClinVar:

NM_182931.3(KMT2E):c.991C>T (p.Pro331Ser)

Gene: KMT2E (lysine methyltransferase 2E (inactive); plus strand). Cytogenetic location: 7q22.3.
Variant type: single nucleotide variant.
Coding change: c.991C>T on transcript NM_182931.3 (MANE Select); coding-DNA position 991, C replaced by T.
Protein change: p.Pro331Ser; replaces proline 331 with serine.
Molecular consequence: missense variant.
Genome position (GRCh38, 1-based): chr7:105,077,185, C>T. VCF-style: chr7-105077185-C-T. GRCh37 (hg19) VCF-style: chr7-104717632-C-T.
Other names: c.991C>T (NM_182931.2); c.991C>T, p.Pro331Ser (NM_001410908.1, NM_018682.4); short protein forms P331S.
Identifiers: ClinVar variation 2433255 (VCV002433255.5), dbSNP rs377473955, ClinGen allele CA163990047.

ClinVar aggregate classification (germline): Uncertain significance. Review status: criteria provided, multiple submitters, no conflicts (2 of 4 stars). 3 submissions from 3 submitters: Uncertain significance (3). Last evaluated 2026-04-28.

Conditions:
O'Donnell-Luria-Rodan syndrome (ODLURO). Also called: KMT2E-Related Neurodevelopmental Disorder. Identifiers: MedGen C5193138, MONDO:0032793, OMIM 618512.
Inborn genetic diseases. Identifiers: MedGen C0950123, MeSH D030342.

Allele frequency attached by ClinVar (database versions not stated): gnomAD 0.00002; ESP Exome Variant Server 0.00008; TOPMed 0.00001; gnomAD exomes 0.00001.
gnomAD v4.1: 7 of 1,612,692 alleles (0.00043%); highest among the groups gnomAD compares: Non-Finnish European, 0.00059%; no homozygotes.

Submissions (3):

Ambry Genetics
Classification: Uncertain significance for Inborn genetic diseases. Last evaluated: 2026-04-28. Review status: criteria provided, single submitter. Criteria: Ambry Variant Classification Scheme 2023. Collection method: clinical testing. Allele origin: germline.
Comment: The c.991C>T (p.P331S) alteration is located in exon 10 (coding exon 8) of the KMT2E gene. This alteration results from a C to T substitution at nucleotide position 991, causing the proline (P) at amino acid position 331 to be replaced by a serine (S). Based on data from gnomAD, the T allele has an overall frequency of <0.001% (1/250340) total alleles studied. The highest observed frequency was 0.001% (1/113078) of European (non-Finnish) alleles. Based on insufficient or conflicting evidence, the clinical significance of this alteration remains unclear.

Labcorp Genetics (formerly Invitae), Labcorp
Classification: Uncertain significance. Last evaluated: 2026-01-14. Review status: criteria provided, single submitter. Criteria: Invitae Variant Classification Sherloc (09022015). Collection method: clinical testing. Allele origin: germline.
Comment: This sequence change replaces proline, which is neutral and non-polar, with serine, which is neutral and polar, at codon 331 of the KMT2E protein (p.Pro331Ser). This variant is present in population databases (rs377473955, gnomAD 0.0009%). This variant has not been reported in the literature in individuals affected with KMT2E-related conditions. ClinVar contains an entry for this variant (Variation ID: 2433255). Invitae Evidence Modeling of protein sequence and biophysical properties (such as structural, functional, and spatial information, amino acid conservation, physicochemical variation, residue mobility, and thermodynamic stability) indicates that this missense variant is not expected to disrupt KMT2E protein function with a negative predictive value of 80%. In summary, the available evidence is currently insufficient to determine the role of this variant in disease. Therefore, it has been classified as a Variant of Uncertain Significance.

Revvity Omics, Revvity
Classification: Uncertain significance for O'Donnell-Luria-Rodan syndrome. Last evaluated: 2022-07-06. Review status: criteria provided, single submitter. Criteria: ACMG Guidelines, 2015. Collection method: clinical testing. Allele origin: germline.